The following is an entry in ClinVar:

ClinVar aggregate classification (germline): Likely benign (0 of 4 stars; one submission).

Conditions:
FRAS1-related disorder. Also called: FRAS1-related condition.

gnomAD v4.1: 77 of 1,613,770 alleles (0.0048%); highest among the groups gnomAD compares: East Asian, 0.16%; no homozygotes.

Submission:

PreventionGenetics, part of Exact Sciences
Classification: Likely benign for FRAS1-related condition. Last evaluated: 2024-07-18. Review status: no assertion criteria provided. Collection method: clinical testing. Allele origin: germline.
Comment: This variant is classified as likely benign based on ACMG/AMP sequence variant interpretation guidelines (Richards et al. 2015 PMID: 25741868, with internal and published modifications).

NM_025074.7(FRAS1):c.6604A>G (p.Ile2202Val)

Gene: FRAS1 (Fraser extracellular matrix complex subunit 1; plus strand). Cytogenetic location: 4q21.21.
Variant type: single nucleotide variant.
Coding change: c.6604A>G on transcript NM_025074.7 (MANE Select); coding-DNA position 6604, A replaced by G.
Protein change: p.Ile2202Val; replaces isoleucine 2202 with valine.
Molecular consequence: missense variant.
Genome position (GRCh38, 1-based): chr4:78,452,195, A>G. VCF-style: chr4-78452195-A-G. GRCh37 (hg19) VCF-style: chr4-79373349-A-G.
Other names: short protein forms I2202V.
Identifiers: ClinVar variation 3355218 (VCV003355218.1).